The following is an entry in ClinVar:

NM_000530.8(MPZ):c.404T>G (p.Ile135Arg)

Gene: MPZ (myelin protein zero; minus strand). Cytogenetic location: 1q23.3.
Variant type: single nucleotide variant.
Coding change: c.404T>G on transcript NM_000530.8 (MANE Select); coding-DNA position 404, T replaced by G.
Protein change: p.Ile135Arg; replaces isoleucine 135 with arginine.
Molecular consequence: missense variant.
Genome position (GRCh38, 1-based): chr1:161,306,752, A>C on the plus strand (T>G on the coding strand, the complement: MPZ is on the minus strand). VCF-style: chr1-161306752-A-C. GRCh37 (hg19) VCF-style: chr1-161276542-A-C.
Other names: c.404T>G, p.Ile135Arg (NM_001315491.2); short protein forms I135R.
Identifiers: ClinVar variation 4530789 (VCV004530789.1).

ClinVar aggregate classification (germline): Pathogenic (1 of 4 stars; one submission).

Submission:

GeneDx
Classification: Pathogenic. Last evaluated: 2025-05-23. Review status: criteria provided, single submitter. Criteria: GeneDx Variant Classification Process June 2021. Collection method: clinical testing. Allele origin: germline. Affected: yes.
Comment: In silico analysis supports that this missense variant has a deleterious effect on protein structure/function; Not observed at significant frequency in large population cohorts (gnomAD); Missense variants in this gene are a common cause of disease and they are underrepresented in the general population; This variant is associated with the following publications: (PMID: 31278453, 30340945, 34060176, 20461396, 26310628)